The following is an entry in ClinVar:

ClinVar aggregate classification (germline): Uncertain significance (1 of 4 stars; one submission).

Conditions:
Developmental and epileptic encephalopathy, 53. Also called: Epileptic encephalopathy, early infantile, 53. Identifiers: MedGen C4479313, MONDO:0033362, OMIM 617389.
Early-onset Parkinson disease 20. Also called: PARKINSON DISEASE 20, AUTOSOMAL RECESSIVE EARLY-ONSET. Identifiers: Orphanet 391411, MedGen C3809824, MONDO:0014233, OMIM 615530.

Submission:

Labcorp Genetics (formerly Invitae), Labcorp
Classification: Uncertain significance for Developmental and epileptic encephalopathy, 53; Early-onset Parkinson disease 20. Last evaluated: 2022-01-03. Review status: criteria provided, single submitter. Criteria: Invitae Variant Classification Sherloc (09022015). Collection method: clinical testing. Allele origin: germline.
Comment: This sequence change replaces alanine, which is neutral and non-polar, with threonine, which is neutral and polar, at codon 1603 of the SYNJ1 protein (p.Ala1603Thr). In summary, the available evidence is currently insufficient to determine the role of this variant in disease. Therefore, it has been classified as a Variant of Uncertain Significance. Algorithms developed to predict the effect of missense changes on protein structure and function output the following: SIFT: "Tolerated"; PolyPhen-2: "Benign"; Align-GVGD: "Class C0". The threonine amino acid residue is found in multiple mammalian species, which suggests that this missense change does not adversely affect protein function. This variant has not been reported in the literature in individuals affected with SYNJ1-related conditions. This variant is not present in population databases (gnomAD no frequency).

NM_203446.3(SYNJ1):c.*778G>A

Gene: SYNJ1 (synaptojanin 1; minus strand). Cytogenetic location: 21q22.11.
Variant type: single nucleotide variant.
Coding change: c.*778G>A on transcript NM_203446.3 (MANE Select); 778 bases downstream of the stop codon, G replaced by A.
Molecular consequence: 3 prime UTR variant. On other transcripts: missense variant (2).
Genome position (GRCh38, 1-based): chr21:32,631,027, C>T on the plus strand (G>A on the coding strand, the complement: SYNJ1 is on the minus strand). VCF-style: chr21-32631027-C-T. GRCh37 (hg19) VCF-style: chr21-34003337-C-T.
Other names: c.*778G>A (NM_001160302.2); c.4549G>A, p.Ala1517Thr (NM_001160306.2); c.4807G>A, p.Ala1603Thr (NM_003895.4); short protein forms A1517T, A1603T.
Identifiers: ClinVar variation 2072086 (VCV002072086.4), dbSNP rs2517266190, ClinGen allele CA410080517.